The following is an entry in ClinVar:

ClinVar aggregate classification (germline): Uncertain significance (1 of 4 stars; one submission).

Conditions:
Nephronophthisis 15 (NPHP15). Identifiers: Orphanet 3156, MedGen C3541853, MONDO:0013917, OMIM 614845.

gnomAD v4.1: 8 of 1,614,068 alleles (0.0005%); highest among the groups gnomAD compares: South Asian, 0.0044%; no homozygotes.

Submission:

Labcorp Genetics (formerly Invitae), Labcorp
Classification: Uncertain significance for Nephronophthisis 15. Last evaluated: 2025-10-08. Review status: criteria provided, single submitter. Criteria: Invitae Variant Classification Sherloc (09022015). Collection method: clinical testing. Allele origin: germline.
Comment: This sequence change replaces methionine, which is neutral and non-polar, with isoleucine, which is neutral and non-polar, at codon 392 of the CEP164 protein (p.Met392Ile). This variant is present in population databases (rs759452273, gnomAD 0.003%). This variant has not been reported in the literature in individuals affected with CEP164-related conditions. An algorithm developed to predict the effect of missense changes on protein structure and function (PolyPhen-2) suggests that this variant is likely to be tolerated. In summary, the available evidence is currently insufficient to determine the role of this variant in disease. Therefore, it has been classified as a Variant of Uncertain Significance.

NM_014956.5(CEP164):c.1176G>A (p.Met392Ile)

Gene: CEP164 (centrosomal protein 164; plus strand). Cytogenetic location: 11q23.3.
Variant type: single nucleotide variant.
Coding change: c.1176G>A on transcript NM_014956.5 (MANE Select); coding-DNA position 1176, G replaced by A.
Protein change: p.Met392Ile; replaces methionine 392 with isoleucine.
Molecular consequence: missense variant. On other transcripts: intron variant (1).
Genome position (GRCh38, 1-based): chr11:117,373,774, G>A. VCF-style: chr11-117373774-G-A. GRCh37 (hg19) VCF-style: chr11-117244490-G-A.
Other names: c.1176G>A, p.Met392Ile (NM_001271933.2, NM_001440949.1, NM_001440950.1 and 16 more transcripts); c.1098G>A, p.Met366Ile (NM_001440952.1, NM_001440954.1, NM_001440955.1 and 16 more transcripts); c.1038G>A, p.Met346Ile (NM_001440960.1); c.1075-1934G>A (NM_001440972.1); short protein forms M346I, M392I, M366I.
Identifiers: ClinVar variation 4742620 (VCV004742620.1).